The following is an entry in ClinVar:

ClinVar aggregate classification (germline): Uncertain significance (1 of 4 stars; one submission).

Allele frequency attached by ClinVar (database versions not stated): gnomAD exomes below 0.00001.

Submission:

Labcorp Genetics (formerly Invitae), Labcorp
Classification: Uncertain significance. Last evaluated: 2024-10-26. Review status: criteria provided, single submitter. Criteria: Invitae Variant Classification Sherloc (09022015). Collection method: clinical testing. Allele origin: germline.
Comment: This sequence change replaces threonine, which is neutral and polar, with isoleucine, which is neutral and non-polar, at codon 906 of the SI protein (p.Thr906Ile). This variant is not present in population databases (gnomAD no frequency). This variant has not been reported in the literature in individuals affected with SI-related conditions. ClinVar contains an entry for this variant (Variation ID: 1963174). Invitae Evidence Modeling of protein sequence and biophysical properties (such as structural, functional, and spatial information, amino acid conservation, physicochemical variation, residue mobility, and thermodynamic stability) indicates that this missense variant is not expected to disrupt SI protein function with a negative predictive value of 95%. In summary, the available evidence is currently insufficient to determine the role of this variant in disease. Therefore, it has been classified as a Variant of Uncertain Significance.

NM_001041.4(SI):c.2717C>T (p.Thr906Ile)

Gene: SI (sucrase-isomaltase; minus strand). Cytogenetic location: 3q26.1.
Variant type: single nucleotide variant.
Coding change: c.2717C>T on transcript NM_001041.4 (MANE Select); coding-DNA position 2717, C replaced by T.
Protein change: p.Thr906Ile; replaces threonine 906 with isoleucine.
Molecular consequence: missense variant.
Genome position (GRCh38, 1-based): chr3:165,032,541, G>A on the plus strand (C>T on the coding strand, the complement: SI is on the minus strand). VCF-style: chr3-165032541-G-A. GRCh37 (hg19) VCF-style: chr3-164750329-G-A.
Other names: short protein forms T906I.
Identifiers: ClinVar variation 1963174 (VCV001963174.4), dbSNP rs2473323392, ClinGen allele CA355046418.
Genomic context (GRCh38, chr3:165,032,541, plus strand): 5'-GATTATATGATAGCTAAAATATTTTAAAAGATTGTAATTACCTGGTTAGAAGCATCATAA[G>A]TGAAATTGGAATGAGCGTTCATTGGTTGATTATTTTCCGCCACTCTAACTTCTGTAACAC-3'
Protein context (NP_001032.2, residues 896-916): NQPMNAHSNF[Thr906Ile]YDASNQVLLI